The following is an entry in ClinVar:

NM_002890.3(RASA1):c.283G>T (p.Val95Leu)

Gene: RASA1 (RAS p21 protein activator 1; plus strand). Cytogenetic location: 5q14.3.
Variant type: single nucleotide variant.
Coding change: c.283G>T on transcript NM_002890.3 (MANE Select); coding-DNA position 283, G replaced by T.
Protein change: p.Val95Leu; replaces valine 95 with leucine.
Molecular consequence: missense variant.
Genome position (GRCh38, 1-based): chr5:87,268,734, G>T. VCF-style: chr5-87268734-G-T. GRCh37 (hg19) VCF-style: chr5-86564551-G-T.
Other names: short protein forms V95L.
Identifiers: ClinVar variation 4706836 (VCV004706836.1).

ClinVar aggregate classification (germline): Uncertain significance (1 of 4 stars; one submission).

Conditions:
Capillary malformation-arteriovenous malformation syndrome. Also called: Capillary malformation-arteriovenous malformation. Identifiers: Orphanet 137667, MedGen C1842180, MONDO:0012016.

gnomAD v4.1: 3 of 1,612,992 alleles (0.00019%); highest among the groups gnomAD compares: Non-Finnish European, 0.00025%; no homozygotes.

Submission:

Labcorp Genetics (formerly Invitae), Labcorp
Classification: Uncertain significance for Capillary malformation-arteriovenous malformation syndrome. Last evaluated: 2025-10-25. Review status: criteria provided, single submitter. Criteria: Invitae Variant Classification Sherloc (09022015). Collection method: clinical testing. Allele origin: germline.
Comment: This sequence change replaces valine, which is neutral and non-polar, with leucine, which is neutral and non-polar, at codon 95 of the RASA1 protein (p.Val95Leu). This variant is present in population databases (no rsID available, gnomAD 0.002%). This variant has not been reported in the literature in individuals affected with RASA1-related conditions. An algorithm developed to predict the effect of missense changes on protein structure and function (PolyPhen-2) suggests that this variant is likely to be tolerated. In summary, the available evidence is currently insufficient to determine the role of this variant in disease. Therefore, it has been classified as a Variant of Uncertain Significance.